The following is an entry in ClinVar:

ClinVar aggregate classification (germline): Uncertain significance (1 of 4 stars; one submission).

Conditions:
Joubert syndrome 23 (JBTS23). Identifiers: Orphanet 475, MedGen C4084822, MONDO:0014664, OMIM 616490.
Short-rib thoracic dysplasia 14 with polydactyly (SRTD14). Identifiers: Orphanet 397715, MedGen C4225286, MONDO:0014688, OMIM 616546.

Allele frequency attached by ClinVar (database versions not stated): gnomAD exomes below 0.00001; ExAC 0.00001; ESP Exome Variant Server 0.00008.
gnomAD v4.1: 1 of 1,608,194 alleles (0.000062%); highest among the groups gnomAD compares: Non-Finnish European, 0.000085%; no homozygotes.

Submission:

Labcorp Genetics (formerly Invitae), Labcorp
Classification: Uncertain significance for Joubert syndrome 23; Short-rib thoracic dysplasia 14 with polydactyly. Last evaluated: 2022-02-17. Review status: criteria provided, single submitter. Criteria: Invitae Variant Classification Sherloc (09022015). Collection method: clinical testing. Allele origin: germline.
Comment: This sequence change replaces valine, which is neutral and non-polar, with methionine, which is neutral and non-polar, at codon 866 of the KIAA0586 protein (p.Val866Met). In summary, the available evidence is currently insufficient to determine the role of this variant in disease. Therefore, it has been classified as a Variant of Uncertain Significance. Algorithms developed to predict the effect of missense changes on protein structure and function are either unavailable or do not agree on the potential impact of this missense change (SIFT: "Deleterious"; PolyPhen-2: "Benign"; Align-GVGD: "Class C0"). This variant has not been reported in the literature in individuals affected with KIAA0586-related conditions. This variant is present in population databases (rs373130060, gnomAD 0.007%).

NM_001329943.3(KIAA0586):c.2437G>A (p.Val813Met)

Gene: KIAA0586 (KIAA0586; plus strand). Cytogenetic location: 14q23.1.
Variant type: single nucleotide variant.
Coding change: c.2437G>A on transcript NM_001329943.3 (MANE Select); coding-DNA position 2437, G replaced by A.
Protein change: p.Val813Met; replaces valine 813 with methionine.
Molecular consequence: missense variant.
Genome position (GRCh38, 1-based): chr14:58,467,917, G>A. VCF-style: chr14-58467917-G-A. GRCh37 (hg19) VCF-style: chr14-58934635-G-A.
Other names: c.2596G>A, p.Val866Met (NM_001244189.2); c.2392G>A, p.Val798Met (NM_001244190.2); c.2182G>A, p.Val728Met (NM_001244191.2, NM_001329945.2, NM_001364700.1 and 1 more transcripts); c.2305G>A, p.Val769Met (NM_001244192.2); c.2017G>A, p.Val673Met (NM_001244193.2); c.2437G>A, p.Val813Met (NM_001329944.2, NM_001329946.2, NM_001329947.2); c.2209G>A, p.Val737Met (NM_014749.5); short protein forms V728M, V769M, V798M, V813M, V673M, V737M, V866M.
Identifiers: ClinVar variation 2096404 (VCV002096404.4), dbSNP rs373130060, ClinGen allele CA7205865.